The following is an entry in ClinVar:

ClinVar aggregate classification (germline): Uncertain significance (1 of 4 stars; one submission).

Submission:

GeneDx
Classification: Uncertain significance. Last evaluated: 2025-10-28. Review status: criteria provided, single submitter. Criteria: GeneDx Variant Classification Process June 2021. Collection method: clinical testing. Allele origin: germline. Affected: yes.
Comment: Not observed at significant frequency in large population cohorts (gnomAD); In silico analysis supports that this missense variant has a deleterious effect on protein structure/function; Not located in the triple helical region, where the majority of pathogenic missense variants occur (HGMD); Has not been previously published as pathogenic or benign to our knowledge

NM_000088.4(COL1A1):c.4338C>G (p.Asp1446Glu)

Gene: COL1A1 (collagen type I alpha 1 chain; minus strand). Cytogenetic location: 17q21.33.
Variant type: single nucleotide variant.
Coding change: c.4338C>G on transcript NM_000088.4 (MANE Select); coding-DNA position 4338, C replaced by G.
Protein change: p.Asp1446Glu; replaces aspartic acid 1446 with glutamic acid.
Molecular consequence: missense variant.
Genome position (GRCh38, 1-based): chr17:50,185,559, G>C on the plus strand (C>G on the coding strand, the complement: COL1A1 is on the minus strand). VCF-style: chr17-50185559-G-C. GRCh37 (hg19) VCF-style: chr17-48262920-G-C.
Other names: short protein forms D1446E.
Identifiers: ClinVar variation 2574897 (VCV002574897.3), dbSNP rs760246047, ClinGen allele CA400190237.